The following is an entry in ClinVar:

ClinVar aggregate classification (germline): Uncertain significance (1 of 4 stars; one submission).

gnomAD v4.1: 19 of 1,551,834 alleles (0.0012%); highest among the groups gnomAD compares: South Asian, 0.021%; no homozygotes.

Submission:

Labcorp Genetics (formerly Invitae), Labcorp
Classification: Uncertain significance. Last evaluated: 2024-11-27. Review status: criteria provided, single submitter. Criteria: Invitae Variant Classification Sherloc (09022015). Collection method: clinical testing. Allele origin: germline.
Comment: This sequence change replaces arginine, which is basic and polar, with lysine, which is basic and polar, at codon 429 of the DTHD1 protein (p.Arg429Lys). This variant is present in population databases (rs537399211, gnomAD 0.009%). This variant has not been reported in the literature in individuals affected with DTHD1-related conditions. An algorithm developed to predict the effect of missense changes on protein structure and function (PolyPhen-2) suggests that this variant is likely to be tolerated. In summary, the available evidence is currently insufficient to determine the role of this variant in disease. Therefore, it has been classified as a Variant of Uncertain Significance.

NM_001170700.3(DTHD1):c.2156G>A (p.Arg719Lys)

Gene: DTHD1 (death domain containing 1; plus strand). Cytogenetic location: 4p14.
Variant type: single nucleotide variant.
Coding change: c.2156G>A on transcript NM_001170700.3 (MANE Select); coding-DNA position 2156, G replaced by A.
Protein change: p.Arg719Lys; replaces arginine 719 with lysine.
Molecular consequence: missense variant. On other transcripts: non-coding transcript variant (2).
Genome position (GRCh38, 1-based): chr4:36,316,302, G>A. VCF-style: chr4-36316302-G-A. GRCh37 (hg19) VCF-style: chr4-36317924-G-A.
Other names: c.1286G>A, p.Arg429Lys (NM_001136536.5); c.1223G>A, p.Arg408Lys (NM_001378435.1); short protein forms R408K, R429K, R719K.
Identifiers: ClinVar variation 3618430 (VCV003618430.2).